The following is an entry in ClinVar:

ClinVar aggregate classification (germline): Uncertain significance (1 of 4 stars; one submission).

Submission:

CeGaT Center for Human Genetics Tuebingen
Classification: Uncertain significance. Last evaluated: 2026-02-01. Review status: criteria provided, single submitter. Criteria: CeGaT Center For Human Genetics Tuebingen Variant Classification Criteria Version 2. Collection method: clinical testing. Allele origin: germline. Affected: yes. Observed: 1 variant allele.
Comment: MYO7A: PP3

NM_000260.4(MYO7A):c.1810A>G (p.Arg604Gly)

Gene: MYO7A (myosin VIIA; plus strand). Cytogenetic location: 11q13.5.
Variant type: single nucleotide variant.
Coding change: c.1810A>G on transcript NM_000260.4 (MANE Select); coding-DNA position 1810, A replaced by G.
Protein change: p.Arg604Gly; replaces arginine 604 with glycine.
Molecular consequence: missense variant.
Genome position (GRCh38, 1-based): chr11:77,172,760, A>G. VCF-style: chr11-77172760-A-G. GRCh37 (hg19) VCF-style: chr11-76883806-A-G.
Other names: c.1810A>G, p.Arg604Gly (NM_001127180.2); c.1777A>G, p.Arg593Gly (NM_001369365.1); short protein forms R593G, R604G.
Identifiers: ClinVar variation 4823194 (VCV004823194.4).